The following is an entry in ClinVar:

NM_000322.5(PRPH2):c.711_722del (p.Asp237_Thr240del)

Gene: PRPH2 (peripherin 2; minus strand). Cytogenetic location: 6p21.1.
Variant type: Deletion.
Coding change: c.711_722del on transcript NM_000322.5 (MANE Select); coding-DNA positions 711 to 722, 12 bases deleted (CCACCAGACGGA).
Protein change: p.Asp237_Thr240del.
Molecular consequence: inframe deletion.
Genome position (GRCh38, 1-based): chr6:42,704,471-42,704,482, TCCGTCTGGTGG deleted on the plus strand (CCACCAGACGGA on the coding strand, the reverse complement: PRPH2 is on the minus strand); deleting any 12 consecutive bases within chr6:42,704,471-42,704,484 gives the same sequence; the c. name uses the placement nearest the transcript's 3' end. VCF-style (leftmost placement, unchanged base first): chr6-42704470-CTCCGTCTGGTGG-C. GRCh37 (hg19) VCF-style: chr6-42672208-CTCCGTCTGGTGG-C.
Identifiers: ClinVar variation 1175269 (VCV001175269.1), dbSNP rs2152005268, ClinGen allele CA2499218270.

ClinVar aggregate classification (germline): Likely pathogenic (0 of 4 stars; one submission).

Submission:

Leiden Open Variation Database
Classification: Likely pathogenic. Last evaluated: 2021-04-06. Review status: no assertion criteria provided. Collection method: curation. Allele origin: germline. Affected: yes.
Comment: Curator: Global Variome, with Curator vacancy. Submitter to LOVD: Manon Peeters.

Literature cited by the submitters: PubMed 17653047.